The following is an entry in ClinVar:

NM_000540.3(RYR1):c.10218_10220delinsTGG (p.Ala3407Gly)

Gene: RYR1 (ryanodine receptor 1; plus strand). Cytogenetic location: 19q13.2.
Variant type: Indel.
Coding change: c.10218_10220delinsTGG on transcript NM_000540.3 (MANE Select); coding-DNA positions 10218 to 10220, CGC replaced by TGG.
Protein change: p.Ala3407Gly; replaces alanine 3407 with glycine.
Molecular consequence: missense variant.
Genome position (GRCh38, 1-based): chr19:38,519,413-38,519,415, CGC replaced by TGG. VCF-style: chr19-38519413-CGC-TGG. GRCh37 (hg19) VCF-style: chr19-39010053-CGC-TGG.
Other names: c.10218_10220delinsTGG, p.Ala3407Gly (NM_001042723.2); short protein forms A3407G.
Identifiers: ClinVar variation 4757366 (VCV004757366.1).

ClinVar aggregate classification (germline): Uncertain significance (1 of 4 stars; one submission).

Conditions:
Malignant hyperthermia, susceptibility to, 1 (MHS1). Also called: RYR1-Related Malignant Hyperthermia Susceptibility; Malignant hyperthermia suceptibility 1; Anesthesia related hyperthermia; Malignant hyperpyrexia; Fulminating hyperpyrexia; Pharmacogenic myopathy. Identifiers: Orphanet 423, MedGen C2930980, MONDO:0007783, OMIM 145600.

Submission:

Color Diagnostics, LLC DBA Color Health
Classification: Uncertain significance for Malignant hyperthermia, susceptibility to, 1. Last evaluated: 2025-07-07. Review status: criteria provided, single submitter. Criteria: ACMG Guidelines, 2015. Collection method: clinical testing. Allele origin: germline.
Comment: This missense variant replaces alanine with glycine at codon 3407 of the RYR1 protein. To our knowledge, functional studies have not been reported for this variant. This variant has not been reported in individuals affected with RYR1-related disorders in the literature. This variant has not been identified in the general population by the Genome Aggregation Database (gnomAD). The available evidence is insufficient to determine the role of this variant in disease conclusively. Therefore, this variant is classified as a Variant of Uncertain Significance.